The following is an entry in ClinVar:

NM_001283009.2(RTEL1):c.3437C>T (p.Pro1146Leu)

Genes: RTEL1 (regulator of telomere elongation helicase 1; plus strand), RTEL1-TNFRSF6B (RTEL1-TNFRSF6B readthrough (NMD candidate); plus strand). Cytogenetic location: 20q13.33.
Variant type: single nucleotide variant.
Coding change: c.3437C>T on transcript NM_001283009.2 (MANE Select); coding-DNA position 3437, C replaced by T.
Protein change: p.Pro1146Leu; replaces proline 1146 with leucine.
Molecular consequence: missense variant. On other transcripts: non-coding transcript variant (1).
Genome position (GRCh38, 1-based): chr20:63,695,159, C>T. VCF-style: chr20-63695159-C-T. GRCh37 (hg19) VCF-style: chr20-62326512-C-T.
Other names: c.2768C>T, p.Pro923Leu (NM_001283010.1); c.3437C>T, p.Pro1146Leu (NM_016434.4); c.3509C>T, p.Pro1170Leu (NM_032957.5); short protein forms P1170L, P923L, P1146L.
Identifiers: ClinVar variation 1046440 (VCV001046440.9), dbSNP rs749331637, ClinGen allele CA9966030.

ClinVar aggregate classification (germline): Conflicting classifications of pathogenicity. Review status: criteria provided, conflicting classifications (1 of 4 stars). 6 submissions from 6 submitters: Uncertain significance (4); Likely benign (1). 1 of the submissions does not count toward it. Last evaluated 2026-10-01.

Conditions:
Dyskeratosis congenita, autosomal recessive 5 (DKCB5). Identifiers: MedGen C3554656, MONDO:0014076, OMIM 615190.
Pulmonary fibrosis and/or bone marrow failure, Telomere-related, 3. Also called: PULMONARY FIBROSIS AND/OR BONE MARROW FAILURE SYNDROME, TELOMERE-RELATED, 3. Identifiers: Orphanet 2032, MedGen C4225346, MONDO:0014613, OMIM 616373.
Dyskeratosis congenita. Identifiers: Orphanet 1775, MedGen C0265965, MONDO:0015780.
Inborn genetic diseases. Identifiers: MedGen C0950123, MeSH D030342.

Allele frequency attached by ClinVar (database versions not stated): TOPMed 0.00003; gnomAD 0.00004 and 0.00003; gnomAD exomes 0.00002; ExAC 0.00003.
gnomAD v4.1: 23 of 1,612,256 alleles (0.0014%); highest among the groups gnomAD compares: African/African-American, 0.004%; no homozygotes.

Submissions (6):

St. Jude Molecular Pathology, St. Jude Children's Research Hospital
Classification: Uncertain significance for Dyskeratosis congenita, autosomal recessive 5. Last evaluated: 2026-10-01. Review status: criteria provided, single submitter. Criteria: St. Jude Assertion Criteria 2020. Collection method: clinical testing. Allele origin: germline.
Comment: The RTEL1 c.3437C>T p.(Pro1146Leu) missense change has a maximum subpopulation frequency of 0.006% in gnomAD v2.1.1. The in silico tool REVEL predicts a benign effect on protein function, but to our knowledge this prediction has not been confirmed by functional studies. To our knowledge, this variant has not been reported in individuals with dyskeratosis congenita. In summary, the evidence currently available is insufficient to determine the clinical significance of this variant. It has therefore been classified as of uncertain significance.

Labcorp Genetics (formerly Invitae), Labcorp
Classification: Uncertain significance for Dyskeratosis congenita, autosomal recessive 5; Pulmonary fibrosis and/or bone marrow failure, Telomere-related, 3. Last evaluated: 2025-12-23. Review status: criteria provided, single submitter. Criteria: Invitae Variant Classification Sherloc (09022015). Collection method: clinical testing. Allele origin: germline.
Comment: This sequence change replaces proline, which is neutral and non-polar, with leucine, which is neutral and non-polar, at codon 1146 of the RTEL1 protein (p.Pro1146Leu). This variant is present in population databases (rs749331637, gnomAD 0.007%). This variant has not been reported in the literature in individuals affected with RTEL1-related conditions. ClinVar contains an entry for this variant (Variation ID: 1046440). An algorithm developed to predict the effect of missense changes on protein structure and function outputs the following: PolyPhen-2: "Benign". The leucine amino acid residue is found in multiple mammalian species, which suggests that this missense change does not adversely affect protein function. In summary, the available evidence is currently insufficient to determine the role of this variant in disease. Therefore, it has been classified as a Variant of Uncertain Significance.

Ambry Genetics
Classification: Likely benign for Inborn genetic diseases. Last evaluated: 2024-10-15. Review status: criteria provided, single submitter. Criteria: Ambry Variant Classification Scheme 2023. Collection method: clinical testing. Allele origin: germline.

Blueprint Genetics
Classification: Uncertain significance. Last evaluated: 2024-08-01. Review status: criteria provided, single submitter. Criteria: ACMG Guidelines, 2015. Collection method: clinical testing. Allele origin: germline.

Breakthrough Genomics
Classification: Uncertain significance. Review status: criteria provided, single submitter. Criteria: ACMG Guidelines, 2015. Collection method: not provided. Allele origin: germline. Inheritance: Autosomal dominant inheritance. Affected: yes.

Natera, Inc.
Classification: Uncertain significance for Dyskeratosis congenita. Last evaluated: 2020-03-24. Review status: no assertion criteria provided. Collection method: clinical testing. Allele origin: germline. Not counted in ClinVar's aggregate classification.